The following is an entry in ClinVar:

ClinVar aggregate classification (germline): Uncertain significance (1 of 4 stars; one submission).

Conditions:
RYR1-related disorder. Also called: RYR1-related condition; RYR1-related disorders. Identifiers: MedGen CN239331.

Allele frequency attached by ClinVar (database versions not stated): gnomAD exomes below 0.00001; TOPMed 0.00001.
gnomAD v4.1: 1 of 1,614,176 alleles (0.000062%); highest among the groups gnomAD compares: African/African-American, 0.0013%; no homozygotes.

Submission:

Labcorp Genetics (formerly Invitae), Labcorp
Classification: Uncertain significance for RYR1-related disorder. Last evaluated: 2022-08-03. Review status: criteria provided, single submitter. Criteria: Invitae Variant Classification Sherloc (09022015). Collection method: clinical testing. Allele origin: germline.
Comment: This sequence change replaces lysine, which is basic and polar, with glutamine, which is neutral and polar, at codon 3114 of the RYR1 protein (p.Lys3114Gln). This variant is present in population databases (no rsID available, gnomAD 0.007%). This variant has not been reported in the literature in individuals affected with RYR1-related conditions. Advanced modeling of protein sequence and biophysical properties (such as structural, functional, and spatial information, amino acid conservation, physicochemical variation, residue mobility, and thermodynamic stability) performed at Invitae indicates that this missense variant is not expected to disrupt RYR1 protein function. In summary, the available evidence is currently insufficient to determine the role of this variant in disease. Therefore, it has been classified as a Variant of Uncertain Significance.

NM_000540.3(RYR1):c.9340A>C (p.Lys3114Gln)

Gene: RYR1 (ryanodine receptor 1; plus strand). Cytogenetic location: 19q13.2.
Variant type: single nucleotide variant.
Coding change: c.9340A>C on transcript NM_000540.3 (MANE Select); coding-DNA position 9340, A replaced by C.
Protein change: p.Lys3114Gln; replaces lysine 3114 with glutamine.
Molecular consequence: missense variant.
Genome position (GRCh38, 1-based): chr19:38,512,351, A>C. VCF-style: chr19-38512351-A-C. GRCh37 (hg19) VCF-style: chr19-39002991-A-C.
Other names: c.9340A>C, p.Lys3114Gln (NM_001042723.2); short protein forms K3114Q.
Identifiers: ClinVar variation 1978668 (VCV001978668.1), dbSNP rs1408513140, ClinGen allele CA405686985.